The following is an entry in ClinVar:

NM_000540.3(RYR1):c.14399C>T (p.Ser4800Phe)

Gene: RYR1 (ryanodine receptor 1; plus strand). Cytogenetic location: 19q13.2.
Variant type: single nucleotide variant.
Coding change: c.14399C>T on transcript NM_000540.3 (MANE Select); coding-DNA position 14399, C replaced by T.
Protein change: p.Ser4800Phe; replaces serine 4800 with phenylalanine.
Molecular consequence: missense variant.
Genome position (GRCh38, 1-based): chr19:38,580,016, C>T. VCF-style: chr19-38580016-C-T. GRCh37 (hg19) VCF-style: chr19-39070656-C-T.
Other names: c.14384C>T, p.Ser4795Phe (NM_001042723.2); short protein forms S4800F, S4795F.
Identifiers: ClinVar variation 1990574 (VCV001990574.7), dbSNP rs2514748577, ClinGen allele CA405686958.

ClinVar aggregate classification (germline): Uncertain significance. Review status: criteria provided, multiple submitters, no conflicts (2 of 4 stars). 2 submissions from 2 submitters: Uncertain significance (2). Last evaluated 2022-06-20.

Conditions:
RYR1-related disorder. Also called: RYR1-related condition; RYR1-related disorders. Identifiers: MedGen CN239331.

Submissions (2):

Labcorp Genetics (formerly Invitae), Labcorp
Classification: Uncertain significance for RYR1-related disorder. Last evaluated: 2022-06-20. Review status: criteria provided, single submitter. Criteria: Invitae Variant Classification Sherloc (09022015). Collection method: clinical testing. Allele origin: germline.
Comment: In summary, the available evidence is currently insufficient to determine the role of this variant in disease. Therefore, it has been classified as a Variant of Uncertain Significance. Advanced modeling of protein sequence and biophysical properties (such as structural, functional, and spatial information, amino acid conservation, physicochemical variation, residue mobility, and thermodynamic stability) performed at Invitae indicates that this missense variant is expected to disrupt RYR1 protein function. This variant has not been reported in the literature in individuals affected with RYR1-related conditions. This variant is not present in population databases (gnomAD no frequency). This sequence change replaces serine, which is neutral and polar, with phenylalanine, which is neutral and non-polar, at codon 4800 of the RYR1 protein (p.Ser4800Phe).

Revvity Omics, Revvity
Classification: Uncertain significance. Last evaluated: 2020-08-27. Review status: criteria provided, single submitter. Criteria: ACMG Guidelines, 2015. Collection method: clinical testing. Allele origin: germline.